The following is an entry in ClinVar:

NM_001267550.2(TTN):c.77471G>A (p.Arg25824His)

Genes: TTN (titin; minus strand), TTN-AS1 (TTN antisense RNA 1; plus strand). Cytogenetic location: 2q31.2.
Variant type: single nucleotide variant.
Coding change: c.77471G>A on transcript NM_001267550.2 (MANE Select); coding-DNA position 77471, G replaced by A.
Protein change: p.Arg25824His; replaces arginine 25824 with histidine.
Molecular consequence: missense variant.
Genome position (GRCh38, 1-based): chr2:178,568,661, C>T on the plus strand (G>A on the coding strand, the complement: TTN is on the minus strand). VCF-style: chr2-178568661-C-T. GRCh37 (hg19) VCF-style: chr2-179433388-C-T.
Other names: c.72548G>A, p.Arg24183His (NM_001256850.1); c.50276G>A, p.Arg16759His (NM_003319.4); c.69767G>A, p.Arg23256His (NM_133378.4); c.50651G>A, p.Arg16884His (NM_133432.3); c.50852G>A, p.Arg16951His (NM_133437.4); short protein forms R16951H, R24183H, R25824H, R16759H, R16884H, R23256H.
Identifiers: ClinVar variation 669773 (VCV000669773.9), dbSNP rs376051922, ClinGen allele CA1989767.

ClinVar aggregate classification (germline): Conflicting classifications of pathogenicity. Review status: criteria provided, conflicting classifications (1 of 4 stars). 5 submissions from 5 submitters: Uncertain significance (3); Likely benign (2). Last evaluated 2025-09-24.

Conditions:
TTN-related disorder. Also called: TTN-related disorders; TTN-related condition; TTN-related disease.
Cardiovascular phenotype. Identifiers: MedGen CN230736.

Allele frequency attached by ClinVar (database versions not stated): gnomAD exomes 0.00002; TOPMed 0.00003; ExAC 0.00007; ESP Exome Variant Server 0.00017.
gnomAD v4.1: 71 of 1,613,214 alleles (0.0044%); highest among the groups gnomAD compares: Non-Finnish European, 0.0057%; no homozygotes.

Submissions (5):

PreventionGenetics, part of Exact Sciences
Classification: Uncertain significance for TTN-related condition. Last evaluated: 2025-09-24. Review status: criteria provided, single submitter. Criteria: ACMG Guidelines, 2015. Collection method: clinical testing. Allele origin: germline.
Comment: The TTN c.77471G>A variant is predicted to result in the amino acid substitution p.Arg25824His. To our knowledge, this variant has not been reported in the literature. This variant is reported in 0.0055% of alleles in individuals of European (Non-Finnish) descent in gnomAD. At this time, the clinical significance of this variant is uncertain due to the absence of conclusive functional and genetic evidence.

Blueprint Genetics
Classification: Likely benign. Last evaluated: 2023-06-14. Review status: criteria provided, single submitter. Criteria: ACMG Guidelines, 2015. Collection method: clinical testing. Allele origin: germline.

Revvity Omics, Revvity
Classification: Uncertain significance. Last evaluated: 2020-05-25. Review status: criteria provided, single submitter. Criteria: ACMG Guidelines, 2015. Collection method: clinical testing. Allele origin: germline.

GeneDx
Classification: Likely benign. Last evaluated: 2020-01-02. Review status: criteria provided, single submitter. Criteria: GeneDx Variant Classification Process June 2021. Collection method: clinical testing. Allele origin: germline. Affected: yes.

Ambry Genetics
Classification: Uncertain significance for Cardiovascular phenotype. Last evaluated: 2019-01-26. Review status: criteria provided, single submitter. Criteria: Ambry Variant Classification Scheme 2023. Collection method: clinical testing. Allele origin: germline.
Comment: The p.R16759H variant (also known as c.50276G>A), located in coding exon 153 of the TTN gene, results from a G to A substitution at nucleotide position 50276. The arginine at codon 16759 is replaced by histidine, an amino acid with highly similar properties. This amino acid position is well conserved in available vertebrate species; however, histidine is the reference amino acid in other vertebrate species. In addition, this alteration is predicted to be tolerated by in silico analysis. Since supporting evidence is limited at this time, the clinical significance of this alteration remains unclear.